The following is an entry in ClinVar:

NC_000023.11:g.(?_31875168)_(31968534_?)del

Gene: DMD (dystrophin; minus strand). Cytogenetic location: Xp21.1.
Variant type: Deletion.
Identifiers: ClinVar variation 455821 (VCV000455821.9).

ClinVar aggregate classification (germline): Pathogenic (1 of 4 stars; one submission).

Conditions:
Duchenne muscular dystrophy (DMD). Also called: MUSCULAR DYSTROPHY, PSEUDOHYPERTROPHIC PROGRESSIVE, DUCHENNE TYPE; Duchenne Muscular Dystrophy (DMD). Identifiers: Orphanet 98896, MedGen C0013264, MONDO:0010679, OMIM 310200.

Submission:

Labcorp Genetics (formerly Invitae), Labcorp
Classification: Pathogenic for Duchenne muscular dystrophy. Last evaluated: 2024-01-27. Review status: criteria provided, single submitter. Criteria: Invitae Variant Classification Sherloc (09022015). Collection method: clinical testing. Allele origin: germline.
Comment: This variant is a gross deletion of the genomic region encompassing exon(s) 45-48 of the DMD gene. This variant would be expected to be in-frame, preserving the integrity of the reading frame. A similar copy number variant has been observed in individuals with Becker muscular dystrophy, dilated cardiomyopathy, and/or Duchenne muscular dystrophy (PMID: 2063877, 8423832, 19449031, 21851881, 22090376, 24217213, 25244321, 26081009, 26911353). For these reasons, this variant has been classified as Pathogenic.

Literature cited by the submitters: PubMed 2063877; PubMed 8423832; PubMed 19449031; PubMed 21851881; PubMed 22090376; PubMed 24217213; PubMed 25244321; PubMed 26081009; PubMed 26911353.